The following is an entry in ClinVar:

NM_133259.4(LRPPRC):c.2246_2247insTATAAGAGACAGT (p.Lys750fs)

Gene: LRPPRC (leucine rich pentatricopeptide repeat containing; minus strand). Cytogenetic location: 2p21.
Variant type: Insertion.
Coding change: c.2246_2247insTATAAGAGACAGT on transcript NM_133259.4 (MANE Select); coding-DNA positions 2246 to 2247, TATAAGAGACAGT inserted.
Protein change: p.Lys750fs; shifts the reading frame from lysine 750.
Molecular consequence: frameshift variant.
Genome position: GRCh38 VCF-style: chr2-43945381-G-GACTGTCTCTTATA. GRCh37 (hg19) VCF-style: chr2-44172520-G-GACTGTCTCTTATA.
Other names: short protein forms K750fs.
Identifiers: ClinVar variation 1726475 (VCV001726475.2), dbSNP rs2466561726, ClinGen allele CA2580066502.
Genomic context (GRCh38, chr2:43,945,381, plus strand): 5'-CTGAGGCTTACCTTGGAGCTTGCCATGCTTTGCCAATACTCTTACAAGGCCTACATACTT[G>GACTGTCTCTTATA]CCGGTGTCAAGGACAGCAGATGAATCTAAGCGGTCACTAAAAATTAAAGCCACATTTATA-3'

ClinVar aggregate classification (germline): Likely pathogenic (1 of 4 stars; one submission).

Conditions:
Congenital lactic acidosis, Saguenay-Lac-Saint-Jean type (MC4DN5). Also called: CYTOCHROME c OXIDASE DEFICIENCY, FRENCH CANADIAN TYPE; COX DEFICIENCY, FRENCH CANADIAN TYPE; MITOCHONDRIAL COMPLEX IV DEFICIENCY, NUCLEAR TYPE 5. Identifiers: Orphanet 70472, MedGen C1857355, MONDO:0009069, OMIM 220111.

Submission:

Myriad Genetics, Inc.
Classification: Likely pathogenic for Congenital lactic acidosis, Saguenay-Lac-Saint-Jean type. Last evaluated: 2021-12-17. Review status: criteria provided, single submitter. Criteria: Myriad Women's Health Autosomal Recessive and X-Linked Classification Criteria (2021). Collection method: clinical testing. Allele origin: unknown.
Comment: NM_133259.3(LRPPRC):c.2246_2247ins13(K750Ifs*24) is expected to be pathogenic in the context of Leigh syndrome, French-Canadian type. This variant is predicted to lead to an abnormal or absent protein product due to the creation of a premature termination codon in LRPPRC, a gene where loss-of-function variants are known to be pathogenic. Please note: this variant was assessed in the context of healthy population screening.